The following is an entry in ClinVar:

NM_001369.3(DNAH5):c.10083del (p.Leu3363fs)

Gene: DNAH5 (dynein axonemal heavy chain 5; minus strand). Cytogenetic location: 5p15.2.
Variant type: Deletion.
Coding change: c.10083del on transcript NM_001369.3 (MANE Select); coding-DNA position 10083, one base deleted (C; older notation c.10083delC).
Protein change: p.Leu3363fs; shifts the reading frame from leucine 3363.
Molecular consequence: frameshift variant.
Genome position (GRCh38, 1-based): chr5:13,765,994, G deleted on the plus strand (C on the coding strand, the reverse complement: DNAH5 is on the minus strand). VCF-style (leftmost placement, unchanged base first): chr5-13765993-AG-A. GRCh37 (hg19) VCF-style: chr5-13766102-AG-A.
Other names: short protein forms L3363fs.
Identifiers: ClinVar variation 4884248 (VCV004884248.3).

ClinVar aggregate classification (germline): Pathogenic/Likely pathogenic. Review status: criteria provided, multiple submitters, no conflicts (2 of 4 stars). 2 submissions from 2 submitters: Pathogenic (1); Likely pathogenic (1). Last evaluated 2026-03-02.

Conditions:
Primary ciliary dyskinesia 3. Identifiers: Orphanet 244, MedGen C1837618, MONDO:0012085, OMIM 608644.

Submissions (2):

Dasa
Classification: Likely pathogenic. Last evaluated: 2026-03-02. Review status: criteria provided, single submitter. Criteria: DASA Assertion Criteria. Collection method: clinical testing. Allele origin: germline.
Comment: NM_001369.3(DNAH5):c.10083del (p.Leu3363Tyrfs*16) is a frameshift variant in DNAH5 predicted to alter the reading frame and introduce a premature termination codon and is predicted to result in an absent or altered protein product. Loss of function is an established disease mechanism for DNAH5-associated disorders. Also, this variant is absent from population databases. Based on the currently available evidence, this variant is classified as likely pathogenic.

Myriad Genetics, Inc.
Classification: Pathogenic for Primary ciliary dyskinesia 3. Last evaluated: 2024-04-01. Review status: criteria provided, single submitter. Criteria: Myriad Autosomal Dominant, Autosomal Recessive and X-Linked Classification Criteria (2023). Collection method: clinical testing. Allele origin: unknown.
Comment: NM_001369.2(DNAH5):c.10083delC(L3363Yfs*16) is expected to be pathogenic in the context of primary ciliary dyskinesia, DNAH5-related. This variant is predicted to lead to an abnormal or absent protein product due to the creation of a premature termination codon in DNAH5, a gene where loss-of-function variants are known to be pathogenic. Please note: this variant was assessed in the context of healthy population screening.